The following is an entry in ClinVar:

NM_000203.5(IDUA):c.1031C>G (p.Ala344Gly)

Gene: IDUA (alpha-L-iduronidase; plus strand). Cytogenetic location: 4p16.3.
Variant type: single nucleotide variant.
Coding change: c.1031C>G on transcript NM_000203.5 (MANE Select); coding-DNA position 1031, C replaced by G.
Protein change: p.Ala344Gly; replaces alanine 344 with glycine.
Molecular consequence: missense variant. On other transcripts: non-coding transcript variant (1).
Genome position (GRCh38, 1-based): chr4:1,002,327, C>G. VCF-style: chr4-1002327-C-G. GRCh37 (hg19) VCF-style: chr4-996115-C-G.
Other names: c.635C>G, p.Ala212Gly (NM_001363576.1); short protein forms A344G, A212G.
Identifiers: ClinVar variation 350228 (VCV000350228.20), dbSNP rs202191662, ClinGen allele CA2802168.

ClinVar aggregate classification (germline): Conflicting classifications of pathogenicity. Review status: criteria provided, conflicting classifications (1 of 4 stars). 5 submissions from 5 submitters: Uncertain significance (1); Likely benign (3). 1 of the submissions does not count toward it. Last evaluated 2026-01-27.

Conditions:
Inborn genetic diseases. Identifiers: MedGen C0950123, MeSH D030342.
IDUA-related disorder. Also called: IDUA-related condition.
Mucopolysaccharidosis type 1. Also called: IDUA deficiency; MPS I; Mucopolysaccharidosis Type I. Identifiers: Orphanet 579, MedGen C0023786, MONDO:0001586.

Allele frequency attached by ClinVar (database versions not stated): gnomAD 0.00004 and 0.00007; TOPMed 0.00010; gnomAD exomes 0.00018 and 0.00032; ExAC 0.00031; 1000 Genomes Project 30x 0.00047; 1000 Genomes Project 0.00060.
gnomAD v4.1: 274 of 1,613,230 alleles (0.017%); highest among the groups gnomAD compares: East Asian, 0.56%; 1 homozygote.

Submissions (5):

Labcorp Genetics (formerly Invitae), Labcorp
Classification: Likely benign for Mucopolysaccharidosis type 1. Last evaluated: 2026-01-27. Review status: criteria provided, single submitter. Criteria: Invitae Variant Classification Sherloc (09022015). Collection method: clinical testing. Allele origin: germline.

PreventionGenetics, part of Exact Sciences
Classification: Likely benign for IDUA-related condition. Last evaluated: 2024-10-26. Review status: criteria provided, single submitter. Criteria: ACMG Guidelines, 2015. Collection method: clinical testing. Allele origin: germline.
Comment: This variant is classified as likely benign based on ACMG/AMP sequence variant interpretation guidelines (Richards et al. 2015 PMID: 25741868, with internal and published modifications).

Ambry Genetics
Classification: Likely benign for Inborn genetic diseases. Last evaluated: 2022-02-20. Review status: criteria provided, single submitter. Criteria: Ambry Variant Classification Scheme 2023. Collection method: clinical testing. Allele origin: germline.

Illumina Laboratory Services, Illumina
Classification: Uncertain significance for Mucopolysaccharidosis type 1. Last evaluated: 2018-01-12. Review status: criteria provided, single submitter. Criteria: ICSL Variant Classification Criteria 13 December 2019. Collection method: clinical testing. Allele origin: germline.

Natera, Inc.
Classification: Likely benign for Mucopolysaccharidosis type I. Last evaluated: 2020-09-16. Review status: no assertion criteria provided. Collection method: clinical testing. Allele origin: germline. Not counted in ClinVar's aggregate classification.